The following is an entry in ClinVar:

ClinVar aggregate classification (germline): Conflicting classifications of pathogenicity. Review status: criteria provided, conflicting classifications (1 of 4 stars). 3 submissions from 3 submitters: Likely pathogenic (2); Uncertain significance (1). Last evaluated 2026-09-08.

Conditions:
Cardiovascular phenotype. Identifiers: MedGen CN230736.

Submissions (3):

Molecular Diagnostic Laboratory for Inherited Cardiovascular Disease, Montreal Heart Institute
Classification: Likely pathogenic for Cardiovascular phenotype. Last evaluated: 2026-09-08. Review status: criteria provided, single submitter. Criteria: ACMG Guidelines, 2015. Collection method: clinical testing. Allele origin: germline. Affected: yes.
Comment: PVS1_strong, PS4_supp, PM2

GeneDx
Classification: Likely pathogenic. Last evaluated: 2025-10-16. Review status: criteria provided, single submitter. Criteria: GeneDx Variant Classification Process June 2021. Collection method: clinical testing. Allele origin: germline. Affected: yes.
Comment: Canonical splice site variant predicted to result in an in-frame loss of the adjacent exon in a gene for which loss of function is a known mechanism of disease; Located in the A-band, a region of TTN for which truncating variants are significantly associated with autosomal dominant cardiomyopathy and also with autosomal recessive skeletal myopathies (PMID: 22335739, 32778822); Not observed at significant frequency in large population cohorts (gnomAD); This variant is associated with the following publications: (PMID: 32964742, 22335739, 34461741, 38438525, 32778822)

Ambry Genetics
Classification: Uncertain significance for Cardiovascular phenotype. Last evaluated: 2024-01-24. Review status: criteria provided, single submitter. Criteria: Ambry Variant Classification Scheme 2023. Collection method: clinical testing. Allele origin: germline.
Comment: The c.26092+1G>T intronic variant results from a G to T substitution one nucleotide after coding exon 104 of the TTN gene. Coding exon 104 is located in the A-band region of the N2-B isoform of the titin protein and is constitutively expressed in TTN transcripts (percent spliced in or PSI 100%). This variant (referred to as c.48364+1G>T) has been detected in an individual from a dilated cardiomyopathy cohort (Herman DS et al. N Engl J Med, 2012 Feb;366:619-28). This nucleotide position is highly conserved in available vertebrate species. In silico splice site analysis predicts that this alteration will weaken the native splice donor site and will result in the creation or strengthening of a novel splice donor site. The resulting transcript is predicted to be in-frame and is not expected to trigger nonsense-mediated mRNA decay. The exact functional effect of the missing amino acids is unknown. Based on the available evidence, the clinical significance of this alteration remains unclear.

Literature cited by the submitters: PubMed 22335739 (cited by Ambry Genetics).

NM_001267550.2(TTN):c.53287+1G>T

Genes: TTN (titin; minus strand), TTN-AS1 (TTN antisense RNA 1; plus strand), LOC126806425 (BRD4-independent group 4 enhancer GRCh37_chr2:179471933-179473132; plus strand). Cytogenetic location: 2q31.2.
Variant type: single nucleotide variant.
Coding change: c.53287+1G>T on transcript NM_001267550.2 (MANE Select); the canonical splice donor site of the intron after coding-DNA position 53287, G replaced by T.
Molecular consequence: splice donor variant.
Genome position (GRCh38, 1-based): chr2:178,607,400, C>A on the plus strand (G>T on the coding strand, the complement: TTN is on the minus strand). VCF-style: chr2-178607400-C-A. GRCh37 (hg19) VCF-style: chr2-179472127-C-A.
Other names: c.26092+1G>T (NM_003319.4); c.26668+1G>T (NM_133437.4); c.26467+1G>T (NM_133432.3); c.45583+1G>T (NM_133378.4); c.48364+1G>T (NM_001256850.1).
Identifiers: ClinVar variation 420066 (VCV000420066.6), dbSNP rs1064794266, ClinGen allele CA16617371.